The following is an entry in ClinVar:

NM_021120.4(DLG3):c.643C>T (p.Arg215Trp)

Gene: DLG3 (discs large MAGUK scaffold protein 3; plus strand). Cytogenetic location: Xq13.1.
Variant type: single nucleotide variant.
Coding change: c.643C>T on transcript NM_021120.4 (MANE Select); coding-DNA position 643, C replaced by T.
Protein change: p.Arg215Trp; replaces arginine 215 with tryptophan.
Molecular consequence: missense variant.
Genome position (GRCh38, 1-based): chrX:70,449,799, C>T. VCF-style: chrX-70449799-C-T. GRCh37 (hg19) VCF-style: chrX-69669649-C-T.
Other names: short protein forms R215W.
Identifiers: ClinVar variation 4086528 (VCV004086528.1).

ClinVar aggregate classification (germline): Uncertain significance (1 of 4 stars; one submission).

Submission:

GeneDx
Classification: Uncertain significance. Last evaluated: 2025-03-16. Review status: criteria provided, single submitter. Criteria: GeneDx Variant Classification Process June 2021. Collection method: clinical testing. Allele origin: germline. Affected: yes.
Comment: In silico analysis supports that this missense variant has a deleterious effect on protein structure/function; Has not been previously published as pathogenic or benign to our knowledge